The following is an entry in ClinVar:

ClinVar aggregate classification (germline): Likely benign. Review status: criteria provided, multiple submitters, no conflicts (2 of 4 stars). 2 submissions from 2 submitters: Likely benign (2). Last evaluated 2025-09-28.

Conditions:
Malignant hyperthermia, susceptibility to, 1 (MHS1). Also called: Malignant hyperthermia suceptibility 1; Anesthesia related hyperthermia; Malignant hyperpyrexia; Fulminating hyperpyrexia; Pharmacogenic myopathy; RYR1-Related Malignant Hyperthermia Susceptibility. Identifiers: Orphanet 423, MedGen C2930980, MONDO:0007783, OMIM 145600.
RYR1-related disorder. Also called: RYR1-related condition; RYR1-related disorders. Identifiers: MedGen CN239331.

Allele frequency attached by ClinVar (database versions not stated): TOPMed below 0.00001.
gnomAD v4.1: 3 of 1,612,800 alleles (0.00019%); highest among the groups gnomAD compares: Admixed American, 0.0017%; no homozygotes.

Submissions (2):

Labcorp Genetics (formerly Invitae), Labcorp
Classification: Likely benign for RYR1-related disorder. Last evaluated: 2025-09-28. Review status: criteria provided, single submitter. Criteria: Invitae Variant Classification Sherloc (09022015). Collection method: clinical testing. Allele origin: germline.

All of Us Research Program, National Institutes of Health
Classification: Likely benign for Malignant hyperthermia, susceptibility to, 1. Last evaluated: 2023-11-20. Review status: criteria provided, single submitter. Criteria: ACMG Guidelines, 2015. Collection method: clinical testing. Allele origin: germline. Inheritance: Autosomal dominant inheritance. Observed: 1 variant allele, 1 heterozygote.
Comment: This study involves interpretation of variants in research participants for the purpose of population health screening. Participant phenotype was not available at the time of variant classification. Additional details can be found in publication PMID: 35346344, PMCID: PMC8962531

NM_000540.3(RYR1):c.7752T>C (p.His2584=)

Gene: RYR1 (ryanodine receptor 1; plus strand). Cytogenetic location: 19q13.2.
Variant type: single nucleotide variant.
Coding change: c.7752T>C on transcript NM_000540.3 (MANE Select); coding-DNA position 7752, T replaced by C.
Protein change: p.His2584=; no amino-acid change (histidine 2584 retained).
Molecular consequence: synonymous variant.
Genome position (GRCh38, 1-based): chr19:38,502,644, T>C. VCF-style: chr19-38502644-T-C. GRCh37 (hg19) VCF-style: chr19-38993284-T-C.
Other names: c.7752T>C, p.His2584= (NM_001042723.2).
Identifiers: ClinVar variation 2712847 (VCV002712847.4), dbSNP rs1324550196, ClinGen allele CA507243828.